The following is an entry in ClinVar:

ClinVar aggregate classification (germline): Likely benign (0 of 4 stars; one submission).

Conditions:
FBXW7-related disorder. Also called: FBXW7-related disorders; FBXW7-related condition.

Allele frequency attached by ClinVar (database versions not stated): gnomAD exomes below 0.00001.
gnomAD v4.1: 2 of 1,549,022 alleles (0.00013%); highest among the groups gnomAD compares: Non-Finnish European, 0.00017%; no homozygotes.

Submission:

PreventionGenetics, part of Exact Sciences
Classification: Likely benign for FBXW7-related condition. Last evaluated: 2022-01-06. Review status: no assertion criteria provided. Collection method: clinical testing. Allele origin: germline.
Comment: This variant is classified as likely benign based on ACMG/AMP sequence variant interpretation guidelines (Richards et al. 2015 PMID: 25741868, with internal and published modifications).

NM_001349798.2(FBXW7):c.1128G>T (p.Leu376=)

Gene: FBXW7 (F-box and WD repeat domain containing 7; minus strand). Cytogenetic location: 4q31.3.
Variant type: single nucleotide variant.
Coding change: c.1128G>T on transcript NM_001349798.2 (MANE Select); coding-DNA position 1128, G replaced by T.
Protein change: p.Leu376=; no amino-acid change (leucine 376 retained).
Molecular consequence: synonymous variant.
Genome position (GRCh38, 1-based): chr4:152,329,780, C>A on the plus strand (G>T on the coding strand, the complement: FBXW7 is on the minus strand). VCF-style: chr4-152329780-C-A. GRCh37 (hg19) VCF-style: chr4-153250932-C-A.
Other names: c.774G>T, p.Leu258= (NM_001013415.2); c.888G>T, p.Leu296= (NM_018315.5); c.1128G>T, p.Leu376= (NM_033632.3).
Identifiers: ClinVar variation 3058091 (VCV003058091.2), dbSNP rs2126526557, ClinGen allele CA441919609.